The following is an entry in ClinVar:

NC_000011.10:g.47349757G>A

Gene: MYBPC3 (myosin binding protein C3; minus strand). Cytogenetic location: 11p11.2.
Variant type: single nucleotide variant.
Genome position: GRCh38 VCF-style: chr11-47349757-G-A. GRCh37 (hg19) VCF-style: chr11-47371308-G-A.
Other names: c.654+17C>T (LRG_386t1, NM_000256.3).
Identifiers: ClinVar variation 378189 (VCV000378189.11), dbSNP rs369864892, ClinGen allele CA056244.
Genomic context (GRCh38, chr11:47,349,757, plus strand): 5'-GCCCTCTGTGTGCCTTGTGCCTTCTAGGGCTCTCCATGTCCCCTCTCTCCGTGTCTCCAC[G>A]ACCCCGGTGGACCCACCTTGCTGGCGCGGTCGTAGCTGTCGTGCAGCTGCAGGTGCTGGC-3'

ClinVar aggregate classification (germline): Likely benign. Review status: criteria provided, multiple submitters, no conflicts (2 of 4 stars). 5 submissions from 5 submitters: Likely benign (3). 2 of the submissions do not count toward it. Last evaluated 2025-11-17.

Conditions:
Hypertrophic cardiomyopathy. Also called: HYPERTROPHIC MYOCARDIOPATHY. Identifiers: Orphanet 217569, MedGen C0007194, MeSH D002312, MONDO:0005045, HP:0001639.

Allele frequency attached by ClinVar (database versions not stated): ExAC 0.00006; ESP Exome Variant Server 0.00008; TOPMed 0.00010; gnomAD 0.00012 and 0.00014.
gnomAD v4.1: 152 of 1,599,782 alleles (0.0095%); highest among the groups gnomAD compares: Middle Eastern, 0.036%; 1 homozygote.

Submissions (5):

Labcorp Genetics (formerly Invitae), Labcorp
Classification: Likely benign for Hypertrophic cardiomyopathy. Last evaluated: 2025-11-17. Review status: criteria provided, single submitter. Criteria: Invitae Variant Classification Sherloc (09022015). Collection method: clinical testing. Allele origin: germline.

Blueprint Genetics
Classification: Likely benign. Last evaluated: 2024-09-04. Review status: criteria provided, single submitter. Criteria: ACMG Guidelines, 2015. Collection method: clinical testing. Allele origin: germline.

GeneDx
Classification: Likely benign. Last evaluated: 2018-02-22. Review status: criteria provided, single submitter. Criteria: GeneDx Variant Classification (06012015). Collection method: clinical testing. Allele origin: germline. Affected: yes.
Comment: This variant is considered likely benign or benign based on one or more of the following criteria: it is a conservative change, it occurs at a poorly conserved position in the protein, it is predicted to be benign by multiple in silico algorithms, and/or has population frequency not consistent with disease.

Clinical Genetics, Academic Medical Center
Classification: Benign. Review status: no assertion criteria provided. Collection method: clinical testing. Allele origin: germline. Affected: yes. Study: VKGL Data-share Consensus. Not counted in ClinVar's aggregate classification.

Genome Diagnostics Laboratory, University Medical Center Utrecht
Classification: Likely benign. Review status: no assertion criteria provided. Collection method: clinical testing. Allele origin: germline. Affected: yes. Study: VKGL Data-share Consensus. Not counted in ClinVar's aggregate classification.